The following is an entry in ClinVar:

ClinVar aggregate classification (germline): Likely pathogenic. Review status: criteria provided, multiple submitters, no conflicts (2 of 4 stars). 3 submissions from 3 submitters: Likely pathogenic (3). Last evaluated 2025-11-13.

Conditions:
Cardiovascular phenotype. Identifiers: MedGen CN230736.
Dilated cardiomyopathy 1G (CMD1G). Identifiers: Orphanet 154, MedGen C1858763, MONDO:0011400, OMIM 604145.
Autosomal recessive limb-girdle muscular dystrophy type 2J (LGMDR10). Also called: Limb-girdle muscular dystrophy, type 2J; MUSCULAR DYSTROPHY, LIMB-GIRDLE, AUTOSOMAL RECESSIVE 10. Identifiers: Orphanet 140922, MedGen C1837342, MONDO:0012127, OMIM 608807.
Cardiomyopathy (CMYO). Also called: Cardiomyopathies. Identifiers: Orphanet 167848, MedGen C0878544, MONDO:0004994, HP:0001638. Inheritance: Various modes of inheritance.

gnomAD v4.1: 1 of 1,613,952 alleles (0.000062%); highest among the groups gnomAD compares: African/African-American, 0.0013%; no homozygotes.

Submissions (3):

Labcorp Genetics (formerly Invitae), Labcorp
Classification: Likely pathogenic for Dilated cardiomyopathy 1G; Autosomal recessive limb-girdle muscular dystrophy type 2J. Last evaluated: 2025-11-13. Review status: criteria provided, single submitter. Criteria: Invitae Variant Classification Sherloc (09022015). Collection method: clinical testing. Allele origin: germline.
Comment: This sequence change creates a premature translational stop signal (p.Tyr34615*) in the TTN gene. While this is not anticipated to result in nonsense mediated decay, it is expected to create a truncated TTN protein. This variant is not present in population databases (gnomAD no frequency). This variant has not been reported in the literature in individuals affected with TTN-related conditions. ClinVar contains an entry for this variant (Variation ID: 1329230). This variant is located in the M band of TTN (PMID: 25589632). Truncating variants in this region have been previously reported in individuals affected with autosomal dominant or autosomal recessive myopathy and muscular dystrophy (PMID: 18948003, 23975875, 24395473). Truncating variants in this region have also been identified in individuals affected with autosomal dominant dilated cardiomyopathy and/or cardio-related conditions (PMID: 27869827, 32964742, internal data). In summary, the currently available evidence indicates that the variant is pathogenic, but additional data are needed to prove that conclusively. Therefore, this variant has been classified as Likely Pathogenic.

Ambry Genetics
Classification: Likely pathogenic for Cardiovascular phenotype. Last evaluated: 2023-02-27. Review status: criteria provided, single submitter. Criteria: Ambry Variant Classification Scheme 2023. Collection method: clinical testing. Allele origin: germline.
Comment: The p.Y25550* variant (also known as c.76650C>G), located in coding exon 185 of the TTN gene, results from a C to G substitution at nucleotide position 76650. This changes the amino acid from a tyrosine to a stop codon within coding exon 185. This exon is located in the M-band region of the N2-B isoform of the titin protein and is constitutively expressed in TTN transcripts (percent spliced in or PSI 100%). This variant is considered to be rare based on population cohorts in the Genome Aggregation Database (gnomAD). This alteration is expected to result in loss of function by premature protein truncation or nonsense-mediated mRNA decay. While truncating variants in TTN are present in 1-3% of the general population, truncating variants in the M-band have been reported in association with autosomal recessive titinopathies, primarily presenting with skeletal myopathy phenotypes (Ceyhan-Birsoy O et al. Neurology. 2013 Oct 1;81(14):1205-14; De Cid R et al. Neurology. 2015;85(24):2126-35). In addition, regardless of their position, TTN truncating variants encoded in constitutive exons (PSI >90%) have been found to be significantly associated with dilated cardiomyopathy (DCM), though truncating variants in the A-band are the most common cause of DCM (Herman DS et al. N. Engl. J. Med., 2012 Feb;366:619-28; Roberts AM et al. Sci Transl Med, 2015 Jan;7:270ra6; Schafer S et al. Nat. Genet., 2017 01;49:46-53). Based on the majority of available evidence to date, this variant is likely to be pathogenic in association with autosomal recessive titinopathy; however, the clinical significance of this alteration with respect to cardiomyopathy remains unclear.

CHEO Genetics Diagnostic Laboratory, Children's Hospital of Eastern Ontario
Classification: Likely pathogenic for Cardiomyopathy. Last evaluated: 2019-09-06. Review status: criteria provided, single submitter. Criteria: ACMG Guidelines, 2015. Collection method: clinical testing. Allele origin: germline.

Literature cited by the submitters: PubMed 25589632 (cited by Labcorp Genetics (formerly Invitae), Labcorp); PubMed 18948003 (cited by Labcorp Genetics (formerly Invitae), Labcorp); PubMed 23975875 (cited by Labcorp Genetics (formerly Invitae), Labcorp); PubMed 24395473 (cited by Labcorp Genetics (formerly Invitae), Labcorp); PubMed 27869827 (cited by Labcorp Genetics (formerly Invitae), Labcorp); PubMed 32964742 (cited by Labcorp Genetics (formerly Invitae), Labcorp).

NM_001267550.2(TTN):c.103845C>G (p.Tyr34615Ter)

Genes: TTN (titin; minus strand), TTN-AS1 (TTN antisense RNA 1; plus strand). Cytogenetic location: 2q31.2.
Variant type: single nucleotide variant.
Coding change: c.103845C>G on transcript NM_001267550.2 (MANE Select); coding-DNA position 103845, C replaced by G.
Protein change: p.Tyr34615Ter; replaces tyrosine 34615 with a stop codon.
Molecular consequence: nonsense.
Genome position (GRCh38, 1-based): chr2:178,532,770, G>C on the plus strand (C>G on the coding strand, the complement: TTN is on the minus strand). VCF-style: chr2-178532770-G-C. GRCh37 (hg19) VCF-style: chr2-179397497-G-C.
Other names: c.98922C>G, p.Tyr32974Ter (NM_001256850.1); c.76650C>G, p.Tyr25550Ter (NM_003319.4); c.96141C>G, p.Tyr32047Ter (NM_133378.4); c.77025C>G, p.Tyr25675Ter (NM_133432.3); c.77226C>G, p.Tyr25742Ter (NM_133437.4); short protein forms Y25550*, Y25675*, Y25742*, Y32047*, Y32974*, Y34615*.
Identifiers: ClinVar variation 1329230 (VCV001329230.8), dbSNP rs2154134580, ClinGen allele CA349413364.